The following is an entry in ClinVar:

ClinVar aggregate classification (germline): Uncertain significance (1 of 4 stars; one submission).

Conditions:
Hereditary cancer-predisposing syndrome. Also called: Neoplastic Syndromes, Hereditary; Tumor predisposition; Hereditary Cancer Syndrome; Hereditary neoplastic syndrome. Identifiers: Orphanet 140162, MedGen C0027672, MeSH D009386, MONDO:0015356.

Submission:

Ambry Genetics
Classification: Uncertain significance for Hereditary cancer-predisposing syndrome. Last evaluated: 2021-02-26. Review status: criteria provided, single submitter. Criteria: Ambry Variant Classification Scheme 2023. Collection method: clinical testing. Allele origin: germline.
Comment: The p.L228F variant (also known as c.684G>T), located in coding exon 6 of the FANCC gene, results from a G to T substitution at nucleotide position 684. The leucine at codon 228 is replaced by phenylalanine, an amino acid with highly similar properties. This amino acid position is highly conserved in available vertebrate species. In addition, this alteration is predicted to be tolerated by in silico analysis. Since supporting evidence is limited at this time, the clinical significance of this alteration remains unclear.

NM_000136.3(FANCC):c.684G>T (p.Leu228Phe)

Genes: FANCC (FA complementation group C; minus strand), AOPEP (aminopeptidase O (putative); plus strand). Cytogenetic location: 9q22.32.
Variant type: single nucleotide variant.
Coding change: c.684G>T on transcript NM_000136.3 (MANE Select); coding-DNA position 684, G replaced by T.
Protein change: p.Leu228Phe; replaces leucine 228 with phenylalanine.
Molecular consequence: missense variant.
Genome position (GRCh38, 1-based): chr9:95,149,925, C>A on the plus strand (G>T on the coding strand, the complement: FANCC is on the minus strand). VCF-style: chr9-95149925-C-A. GRCh37 (hg19) VCF-style: chr9-97912207-C-A.
Other names: c.684G>T, p.Leu228Phe (NM_001243743.2, NM_001243744.2); short protein forms L228F.
Identifiers: ClinVar variation 1755787 (VCV001755787.2), dbSNP rs1588181248, ClinGen allele CA374109513.